The following is an entry in ClinVar:

ClinVar aggregate classification (germline): Uncertain significance (1 of 4 stars; one submission).

Conditions:
Dyskeratosis congenita, autosomal dominant 1 (DKCA1). Also called: Dyskeratosis congenita Scoggins type. Identifiers: Orphanet 1775, MedGen C4551974, MONDO:0007485, OMIM 127550. Inheritance: Variable.

Allele frequency attached by ClinVar (database versions not stated): ExAC 0.00002; gnomAD 0.00002; gnomAD exomes 0.00002 and 0.00004; TOPMed 0.00002.
gnomAD v4.1: 13 of 757,910 alleles (0.0017%); highest among the groups gnomAD compares: East Asian, 0.027%; no homozygotes.

Submission:

Labcorp Genetics (formerly Invitae), Labcorp
Classification: Uncertain significance for Dyskeratosis congenita, autosomal dominant 1. Last evaluated: 2025-12-22. Review status: criteria provided, single submitter. Criteria: Invitae Variant Classification Sherloc (09022015). Collection method: clinical testing. Allele origin: germline.
Comment: This variant occurs in the TERC gene, which encodes an RNA molecule that does not result in a protein product. This variant is present in population databases (rs374793413, gnomAD 0.03%). This variant has not been reported in the literature in individuals affected with TERC-related conditions. ClinVar contains an entry for this variant (Variation ID: 465767). This variant is located within the BoxH/ACA scaRNA domain of the TERC RNA component, which is required for telomerase activity (PMID: 21844345). In summary, the available evidence is currently insufficient to determine the role of this variant in disease. Therefore, it has been classified as a Variant of Uncertain Significance.

Literature cited by the submitters: PubMed 21844345.

NC_000003.12:g.169764717G>A

Genes: TERC (telomerase RNA component; minus strand), LOC110806306 (telomerase RNA component (TERC) promoter; plus strand). Cytogenetic location: 3q26.2.
Variant type: single nucleotide variant.
Genome position: GRCh38 VCF-style: chr3-169764717-G-A. GRCh37 (hg19) VCF-style: chr3-169482505-G-A.
Identifiers: ClinVar variation 465767 (VCV000465767.10), dbSNP rs374793413, ClinGen allele CA2696795.